The following is an entry in ClinVar:

NM_001040108.2(MLH3):c.4176G>C (p.Gln1392His)

Gene: MLH3 (mutL homolog 3; minus strand). Cytogenetic location: 14q24.3.
Variant type: single nucleotide variant.
Coding change: c.4176G>C on transcript NM_001040108.2 (MANE Select); coding-DNA position 4176, G replaced by C.
Protein change: p.Gln1392His; replaces glutamine 1392 with histidine.
Molecular consequence: missense variant.
Genome position (GRCh38, 1-based): chr14:75,018,895, C>G on the plus strand (G>C on the coding strand, the complement: MLH3 is on the minus strand). VCF-style: chr14-75018895-C-G. GRCh37 (hg19) VCF-style: chr14-75485598-C-G.
Other names: c.4104G>C, p.Gln1368His (NM_014381.3); short protein forms Q1368H, Q1392H.
Identifiers: ClinVar variation 2037911 (VCV002037911.6), dbSNP rs774372641, ClinGen allele CA7275207.
Genomic context (GRCh38, chr14:75,018,895, plus strand): 5'-TTCCTGTTCCAAGTGGTCTATGTCAGCTAACGGCAGCATAGAAGGTCTCCCGTGAGCACA[C>G]TGGAATGGCAGCTGGCATGAGGACAGAGCTTCAATAAGGCGGCAACTTTCCTGTAAGCTC-3'
Protein context (NP_001035197.1, residues 1382-1402): EALSSCQLPF[Gln1392His]CAHGRPSMLP

ClinVar aggregate classification (germline): Uncertain significance. Review status: criteria provided, multiple submitters, no conflicts (2 of 4 stars). 2 submissions from 2 submitters: Uncertain significance (2). Last evaluated 2026-04-15.

Conditions:
Colorectal cancer, hereditary nonpolyposis, type 7. Identifiers: Orphanet 144, MedGen C1858380, MONDO:0013725, OMIM 614385.

Allele frequency attached by ClinVar (database versions not stated): ExAC 0.00001.
gnomAD v4.1: 6 of 1,614,140 alleles (0.00037%); highest among the groups gnomAD compares: Non-Finnish European, 0.00051%; no homozygotes.

Submissions (2):

Ambry Genetics
Classification: Uncertain significance. Last evaluated: 2026-04-15. Review status: criteria provided, single submitter. Criteria: Ambry Variant Classification Scheme 2023. Collection method: clinical testing. Allele origin: germline.
Comment: The p.Q1392H variant (also known as c.4176G>C), located in coding exon 11 of the MLH3 gene, results from a G to C substitution at nucleotide position 4176. The glutamine at codon 1392 is replaced by histidine, an amino acid with highly similar properties. This amino acid position is highly conserved in available vertebrate species. In addition, this alteration is predicted to be deleterious by in silico analysis. Based on the available evidence, the clinical significance of this variant remains unclear.

Labcorp Genetics (formerly Invitae), Labcorp
Classification: Uncertain significance for Colorectal cancer, hereditary nonpolyposis, type 7. Last evaluated: 2022-05-04. Review status: criteria provided, single submitter. Criteria: Invitae Variant Classification Sherloc (09022015). Collection method: clinical testing. Allele origin: germline.
Comment: In summary, the available evidence is currently insufficient to determine the role of this variant in disease. Therefore, it has been classified as a Variant of Uncertain Significance. Algorithms developed to predict the effect of missense changes on protein structure and function are either unavailable or do not agree on the potential impact of this missense change (SIFT: "Deleterious"; PolyPhen-2: "Probably Damaging"; Align-GVGD: "Class C0"). This variant has not been reported in the literature in individuals affected with MLH3-related conditions. This variant is not present in population databases (gnomAD no frequency). This sequence change replaces glutamine, which is neutral and polar, with histidine, which is basic and polar, at codon 1392 of the MLH3 protein (p.Gln1392His).